The following is an entry in ClinVar:

NM_017777.4(MKS1):c.1640C>T (p.Pro547Leu)

Gene: MKS1 (MKS transition zone complex subunit 1; minus strand). Cytogenetic location: 17q22.
Variant type: single nucleotide variant.
Coding change: c.1640C>T on transcript NM_017777.4 (MANE Select); coding-DNA position 1640, C replaced by T.
Protein change: p.Pro547Leu; replaces proline 547 with leucine.
Molecular consequence: missense variant. On other transcripts: synonymous variant (1), 3 prime UTR variant (1).
Genome position (GRCh38, 1-based): chr17:58,206,119, G>A on the plus strand (C>T on the coding strand, the complement: MKS1 is on the minus strand). VCF-style: chr17-58206119-G-A. GRCh37 (hg19) VCF-style: chr17-56283480-G-A.
Other names: c.1031C>T, p.Pro344Leu (NM_001321268.2); c.1557C>T, p.Pro519= (NM_001321269.2); c.*52C>T (NM_001330397.2); short protein forms P547L, P344L.
Identifiers: ClinVar variation 194871 (VCV000194871.27), dbSNP rs771585740, ClinGen allele CA241063.

ClinVar aggregate classification (germline): Uncertain significance. Review status: criteria provided, multiple submitters, no conflicts (2 of 4 stars). 11 submissions from 10 submitters: Uncertain significance (10). 1 of the submissions does not count toward it. Last evaluated 2026-04-22.

Conditions:
MKS1-related disorder. Also called: MKS1-related condition; MKS1-related disorders. Identifiers: MedGen CN239382.
Meckel syndrome, type 1 (MKS1). Also called: MECKEL-GRUBER SYNDROME, TYPE 1. Identifiers: Orphanet 564, MedGen C3714506, MONDO:0009571, OMIM 249000.
Bardet-Biedl syndrome 13 (BBS13). Identifiers: Orphanet 110, MedGen C2673873, MONDO:0014441, OMIM 615990.
Joubert syndrome 28 (JBTS28). Identifiers: MedGen C4310705, MONDO:0014928, OMIM 617121.
Inborn genetic diseases. Identifiers: MedGen C0950123, MeSH D030342.
Joubert syndrome. Also called: Familial aplasia of the vermis; JOUBERT-BOLTSHAUSER SYNDROME. Identifiers: Orphanet 475, MedGen C5979921, MONDO:0018772.
Meckel-Gruber syndrome. Also called: GRUBER SYNDROME; Dysencephalia splachnocystica; DYSENCEPHALIA SPLANCHNOCYSTICA. Identifiers: Orphanet 564, MedGen C0265215, MONDO:0018921.

Allele frequency attached by ClinVar (database versions not stated): gnomAD 0.00007 and 0.00009; ExAC 0.00009; TOPMed 0.00010; gnomAD exomes 0.00011.

Submissions (11):

PreventionGenetics, part of Exact Sciences
Classification: Uncertain significance for MKS1-related condition. Last evaluated: 2026-04-22. Review status: criteria provided, single submitter. Criteria: ACMG Guidelines, 2015. Collection method: clinical testing. Allele origin: germline.
Comment: The MKS1 c.1640C>T variant is predicted to result in the amino acid substitution p.Pro547Leu. This variant has been reported in the homozygous state in an individual with a neurodevelopmental disorder; however, this individual was also homozygous for a AMPD2 variant (Table S3, Mitani et al. 2021. PubMed ID: 34582790). This variant is reported in 0.011% of alleles in individuals of Latino descent in gnomAD and is consistently classified as uncertain in ClinVar (ClinVar ID: 194871). At this time, the clinical significance of this variant is uncertain due to the absence of conclusive functional and genetic evidence.

Fulgent Genetics
Classification: Uncertain significance for Meckel syndrome, type 1; Bardet-Biedl syndrome 13; Joubert syndrome 28. Last evaluated: 2024-06-24. Review status: criteria provided, single submitter. Criteria: ACMG Guidelines, 2015. Collection method: clinical testing. Allele origin: germline.

Blueprint Genetics
Classification: Uncertain significance. Last evaluated: 2023-08-11. Review status: criteria provided, single submitter. Criteria: ACMG Guidelines, 2015. Collection method: clinical testing. Allele origin: germline.

GeneDx
Classification: Uncertain significance. Last evaluated: 2023-03-29. Review status: criteria provided, single submitter. Criteria: GeneDx Variant Classification Process June 2021. Collection method: clinical testing. Allele origin: germline. Affected: yes.
Comment: Observed in homozygous state in a patient with severe neurodevelopmental delays and microcephaly, however this patient also harbored a homozygous variant in the AMPD2 gene (Mitani et al., 2021); Not observed at significant frequency in large population cohorts (gnomAD); In silico analysis supports that this missense variant has a deleterious effect on protein structure/function; This variant is associated with the following publications: (PMID: 34582790)

Ambry Genetics
Classification: Uncertain significance for Inborn genetic diseases. Last evaluated: 2022-11-15. Review status: criteria provided, single submitter. Criteria: Ambry Variant Classification Scheme 2023. Collection method: clinical testing. Allele origin: germline.

Labcorp Genetics (formerly Invitae), Labcorp
Classification: Uncertain significance for Joubert syndrome; Meckel-Gruber syndrome. Last evaluated: 2022-10-24. Review status: criteria provided, single submitter. Criteria: Invitae Variant Classification Sherloc (09022015). Collection method: clinical testing. Allele origin: germline.
Comment: This sequence change replaces proline, which is neutral and non-polar, with leucine, which is neutral and non-polar, at codon 547 of the MKS1 protein (p.Pro547Leu). This variant is present in population databases (rs771585740, gnomAD 0.01%). This variant has not been reported in the literature in individuals affected with MKS1-related conditions. ClinVar contains an entry for this variant (Variation ID: 194871). Advanced modeling of protein sequence and biophysical properties (such as structural, functional, and spatial information, amino acid conservation, physicochemical variation, residue mobility, and thermodynamic stability) performed at Invitae indicates that this missense variant is expected to disrupt MKS1 protein function. In summary, the available evidence is currently insufficient to determine the role of this variant in disease. Therefore, it has been classified as a Variant of Uncertain Significance.

Illumina Laboratory Services, Illumina
Classification: Uncertain significance for Meckel syndrome, type 1. Last evaluated: 2018-01-12. Review status: criteria provided, single submitter. Criteria: ICSL Variant Classification Criteria 13 December 2019. Collection method: clinical testing. Allele origin: germline.

Illumina Laboratory Services, Illumina
Classification: Uncertain significance for Bardet-Biedl syndrome 13. Last evaluated: 2018-01-12. Review status: criteria provided, single submitter. Criteria: ICSL Variant Classification Criteria 13 December 2019. Collection method: clinical testing. Allele origin: germline.

Genetic Services Laboratory, University of Chicago
Classification: Uncertain significance. Last evaluated: 2017-12-07. Review status: criteria provided, single submitter. Criteria: ACMG Guidelines, 2015. Collection method: clinical testing. Allele origin: germline. Affected: no.

Eurofins Ntd Llc (ga)
Classification: Uncertain significance. Last evaluated: 2017-07-25. Review status: criteria provided, single submitter. Criteria: EGL Classification Definitions 2015. Collection method: clinical testing. Allele origin: germline. Observed: 2 variant alleles, 2 heterozygotes.

Natera, Inc.
Classification: Uncertain significance for Meckel syndrome type 1. Last evaluated: 2019-10-28. Review status: no assertion criteria provided. Collection method: clinical testing. Allele origin: germline. Not counted in ClinVar's aggregate classification.

Literature cited by the submitters: PubMed 34582790 (cited by Ambry Genetics).